The following is an entry in ClinVar:

ClinVar aggregate classification (germline): Uncertain significance. Review status: criteria provided, multiple submitters, no conflicts (2 of 4 stars). 2 submissions from 2 submitters: Uncertain significance (2). Last evaluated 2026-03-07.

Conditions:
Cardiovascular phenotype. Identifiers: MedGen CN230736.

gnomAD v4.1: 1 of 1,614,036 alleles (0.000062%); highest among the groups gnomAD compares: Non-Finnish European, 0.000085%; no homozygotes.

Submissions (2):

GeneDx
Classification: Uncertain significance. Last evaluated: 2026-03-07. Review status: criteria provided, single submitter. Criteria: GeneDx Variant Classification Process June 2021. Collection method: clinical testing. Allele origin: germline.
Comment: Not observed at significant frequency in large population cohorts (gnomAD); In silico analysis supports that this missense variant has a deleterious effect on protein structure/function; Has not been previously published as pathogenic or benign to our knowledge

Ambry Genetics
Classification: Uncertain significance for Cardiovascular phenotype. Last evaluated: 2024-06-26. Review status: criteria provided, single submitter. Criteria: Ambry Variant Classification Scheme 2023. Collection method: clinical testing. Allele origin: germline.
Comment: The p.Q391R variant (also known as c.1172A>G), located in coding exon 6 of the KCNH2 gene, results from an A to G substitution at nucleotide position 1172. The glutamine at codon 391 is replaced by arginine, an amino acid with highly similar properties. This amino acid position is highly conserved in available vertebrate species. In addition, this alteration is predicted to be deleterious by in silico analysis. Based on the available evidence, the clinical significance of this variant remains unclear.

NM_000238.4(KCNH2):c.1172A>G (p.Gln391Arg)

Gene: KCNH2 (potassium voltage-gated channel subfamily H member 2; minus strand). Cytogenetic location: 7q36.1.
Variant type: single nucleotide variant.
Coding change: c.1172A>G on transcript NM_000238.4 (MANE Select); coding-DNA position 1172, A replaced by G.
Protein change: p.Gln391Arg; replaces glutamine 391 with arginine.
Molecular consequence: missense variant. On other transcripts: non-coding transcript variant (2).
Genome position (GRCh38, 1-based): chr7:150,952,810, T>C on the plus strand (A>G on the coding strand, the complement: KCNH2 is on the minus strand). VCF-style: chr7-150952810-T-C. GRCh37 (hg19) VCF-style: chr7-150649898-T-C.
Other names: c.1172A>G (NM_000238.2); c.152A>G, p.Gln51Arg (NM_001204798.2, NM_172057.3); c.884A>G, p.Gln295Arg (NM_001406753.1, NM_001406756.1); c.995A>G, p.Gln332Arg (NM_001406755.1); c.872A>G, p.Gln291Arg (NM_001406757.1); c.1172A>G, p.Gln391Arg (NM_172056.3); short protein forms Q391R, Q295R, Q51R, Q291R, Q332R.
Identifiers: ClinVar variation 3532309 (VCV003532309.2).